The following is an entry in ClinVar:

NM_024642.5(GALNT12):c.918-3T>A

Gene: GALNT12 (polypeptide N-acetylgalactosaminyltransferase 12; plus strand). Cytogenetic location: 9q22.33.
Variant type: single nucleotide variant.
Coding change: c.918-3T>A on transcript NM_024642.5 (MANE Select); 3 bases into the intron before coding-DNA position 918, T replaced by A.
Molecular consequence: intron variant.
Genome position (GRCh38, 1-based): chr9:98,835,246, T>A. VCF-style: chr9-98835246-T-A. GRCh37 (hg19) VCF-style: chr9-101597528-T-A.
Identifiers: ClinVar variation 3227971 (VCV003227971.1), dbSNP rs1206962893, ClinGen allele CA869114309.

ClinVar aggregate classification (germline): Uncertain significance (1 of 4 stars; one submission).

Allele frequency attached by ClinVar (database versions not stated): TOPMed below 0.00001; gnomAD 0.00001.
gnomAD v4.1: 2 of 1,599,070 alleles (0.00013%); highest among the groups gnomAD compares: African/African-American, 0.0027%; no homozygotes.

Submission:

Ambry Genetics
Classification: Uncertain significance. Last evaluated: 2023-12-22. Review status: criteria provided, single submitter. Criteria: Ambry Variant Classification Scheme 2023. Collection method: clinical testing. Allele origin: germline.
Comment: The c.918-3T>A intronic variant results from a T to A substitution 3 nucleotides upstream from coding exon 5 in the GALNT12 gene. This nucleotide position is poorly conserved in available vertebrate species. In silico splice site analysis predicts that this alteration will weaken the native splice acceptor site. The evidence for this gene-disease relationship is limited; therefore, the clinical significance of this alteration is unclear.